The following is an entry in ClinVar:

ClinVar aggregate classification (germline): Benign (1 of 4 stars; one submission).

Allele frequency attached by ClinVar (database versions not stated): TOPMed 0.00001; gnomAD 0.00003; gnomAD exomes 0.00007; ExAC 0.00018; 1000 Genomes Project 30x 0.00031; 1000 Genomes Project 0.00040.
gnomAD v4.1: 99 of 1,612,410 alleles (0.0061%); highest among the groups gnomAD compares: South Asian, 0.093%; 1 homozygote.

Submission:

CeGaT Center for Human Genetics Tuebingen
Classification: Benign. Last evaluated: 2022-05-01. Review status: criteria provided, single submitter. Criteria: CeGaT Center For Human Genetics Tuebingen Variant Classification Criteria Version 2. Collection method: clinical testing. Allele origin: germline. Affected: yes. Observed: 1 variant allele.
Comment: HDAC4: BS1, BS2

NM_001378414.1(HDAC4):c.1935C>T (p.Pro645=)

Gene: HDAC4 (histone deacetylase 4; minus strand). Cytogenetic location: 2q37.3.
Variant type: single nucleotide variant.
Coding change: c.1935C>T on transcript NM_001378414.1 (MANE Select); coding-DNA position 1935, C replaced by T.
Protein change: p.Pro645=; no amino-acid change (proline 645 retained).
Molecular consequence: synonymous variant.
Genome position (GRCh38, 1-based): chr2:239,111,569, G>A on the plus strand (C>T on the coding strand, the complement: HDAC4 is on the minus strand). VCF-style: chr2-239111569-G-A. GRCh37 (hg19) VCF-style: chr2-240033265-G-A.
Other names: c.1935C>T, p.Pro645= (NM_001378415.1); c.1920C>T, p.Pro640= (NM_001378416.1, NM_001378417.1, NM_006037.4).
Identifiers: ClinVar variation 2652071 (VCV002652071.24), dbSNP rs569063568, ClinGen allele CA2199641.